The following is an entry in ClinVar:

NM_173602.3(DIP2B):c.1917T>A (p.Thr639=)

Gene: DIP2B (DIP2 acetate--CoA ligase B (putative); plus strand). Cytogenetic location: 12q13.12.
Variant type: single nucleotide variant.
Coding change: c.1917T>A on transcript NM_173602.3 (MANE Select); coding-DNA position 1917, T replaced by A.
Protein change: p.Thr639=; no amino-acid change (threonine 639 retained).
Molecular consequence: synonymous variant.
Genome position (GRCh38, 1-based): chr12:50,695,951, T>A. VCF-style: chr12-50695951-T-A. GRCh37 (hg19) VCF-style: chr12-51089734-T-A.
Other names: c.1917T>A (NM_173602.2).
Identifiers: ClinVar variation 1255501 (VCV001255501.6), dbSNP rs11169524, ClinGen allele CA6564668.

ClinVar aggregate classification (germline): Benign. Review status: criteria provided, multiple submitters, no conflicts (2 of 4 stars). 3 submissions from 3 submitters: Benign (2). 1 of the submissions does not count toward it. Last evaluated 2021-07-30.

Conditions:
Intellectual developmental disorder, FRA12A type. Also called: Intellectual disability, FRA12A type. Identifiers: MedGen C1969893, MONDO:0007634, OMIM 136630.
DIP2B-related disorder. Also called: DIP2B-related condition.

Allele frequency attached by ClinVar (database versions not stated): gnomAD exomes 0.31136; ExAC 0.31833; 1000 Genomes Project 30x 0.32277; ESP Exome Variant Server 0.34030; gnomAD 0.31932 and 0.31818; 1000 Genomes Project 0.32069.
gnomAD v4.1: 545,546 of 1,613,718 alleles (34%); highest among the groups gnomAD compares: Middle Eastern, 36%; 93,996 homozygotes.

Submissions (3):

Genome-Nilou Lab
Classification: Benign for Intellectual developmental disorder, FRA12A type. Last evaluated: 2021-07-30. Review status: criteria provided, single submitter. Criteria: ACMG Guidelines, 2015. Collection method: clinical testing. Allele origin: germline. Affected: no.

Breakthrough Genomics
Classification: Benign. Review status: criteria provided, single submitter. Criteria: ACMG Guidelines, 2015. Collection method: not provided. Allele origin: germline. Inheritance: Autosomal dominant inheritance. Affected: yes.

PreventionGenetics, part of Exact Sciences
Classification: Benign for DIP2B-related condition. Last evaluated: 2019-10-22. Review status: no assertion criteria provided. Collection method: clinical testing. Allele origin: germline. Not counted in ClinVar's aggregate classification.
Comment: This variant is classified as benign based on ACMG/AMP sequence variant interpretation guidelines (Richards et al. 2015 PMID: 25741868, with internal and published modifications).